The following is an entry in ClinVar:

NM_182961.4(SYNE1):c.3131G>A (p.Arg1044Gln)

Gene: SYNE1 (spectrin repeat containing nuclear envelope protein 1; minus strand). Cytogenetic location: 6q25.2.
Variant type: single nucleotide variant.
Coding change: c.3131G>A on transcript NM_182961.4 (MANE Select); coding-DNA position 3131, G replaced by A.
Protein change: p.Arg1044Gln; replaces arginine 1044 with glutamine.
Molecular consequence: missense variant.
Genome position (GRCh38, 1-based): chr6:152,451,102, C>T on the plus strand (G>A on the coding strand, the complement: SYNE1 is on the minus strand). VCF-style: chr6-152451102-C-T. GRCh37 (hg19) VCF-style: chr6-152772237-C-T.
Other names: c.3152G>A, p.Arg1051Gln (NM_033071.5); short protein forms R1051Q, R1044Q.
Identifiers: ClinVar variation 538393 (VCV000538393.9), dbSNP rs199888697, ClinGen allele CA4058917.

ClinVar aggregate classification (germline): Uncertain significance. Review status: criteria provided, multiple submitters, no conflicts (2 of 4 stars). 2 submissions from 2 submitters: Uncertain significance (2). Last evaluated 2024-10-24.

Conditions:
Autosomal recessive ataxia, Beauce type. Also called: SYNE1-Related Autosomal Recessive Cerebellar Ataxia; Spinocerebellar ataxia, autosomal recessive 8; ATAXIA, RECESSIVE, OF BEAUCE; SYNE1 Deficiency. Identifiers: Orphanet 88644, MedGen C1853116, MONDO:0012549, OMIM 610743.
Emery-Dreifuss muscular dystrophy 4, autosomal dominant (EDMD4). Also called: EMERY-DREIFUSS MUSCULAR DYSTROPHY 4 WITH VARIABLE FEATURES. Identifiers: Orphanet 261, MedGen C2751807, MONDO:0013071, OMIM 612998.

Allele frequency attached by ClinVar (database versions not stated): TOPMed below 0.00001; ExAC 0.00001; gnomAD 0.00001; gnomAD exomes 0.00001 and 0.00003.
gnomAD v4.1: 15 of 1,614,006 alleles (0.00093%); highest among the groups gnomAD compares: Admixed American, 0.013%; no homozygotes.

Submissions (2):

Labcorp Genetics (formerly Invitae), Labcorp
Classification: Uncertain significance for Emery-Dreifuss muscular dystrophy 4, autosomal dominant; Autosomal recessive ataxia, Beauce type. Last evaluated: 2024-10-24. Review status: criteria provided, single submitter. Criteria: Invitae Variant Classification Sherloc (09022015). Collection method: clinical testing. Allele origin: germline.
Comment: This sequence change replaces arginine, which is basic and polar, with glutamine, which is neutral and polar, at codon 1051 of the SYNE1 protein (p.Arg1051Gln). This variant is present in population databases (rs199888697, gnomAD 0.02%). This variant has not been reported in the literature in individuals affected with SYNE1-related conditions. ClinVar contains an entry for this variant (Variation ID: 538393). An algorithm developed to predict the effect of missense changes on protein structure and function (PolyPhen-2) suggests that this variant is likely to be tolerated. In summary, the available evidence is currently insufficient to determine the role of this variant in disease. Therefore, it has been classified as a Variant of Uncertain Significance.

Fulgent Genetics
Classification: Uncertain significance for Autosomal recessive ataxia, Beauce type; Emery-Dreifuss muscular dystrophy 4, autosomal dominant. Last evaluated: 2018-10-31. Review status: criteria provided, single submitter. Criteria: ACMG Guidelines, 2015. Collection method: clinical testing. Allele origin: unknown.